The following is an entry in ClinVar:

ClinVar aggregate classification (germline): Benign/Likely benign. Review status: criteria provided, multiple submitters, no conflicts (2 of 4 stars). 6 submissions from 6 submitters: Benign (2); Likely benign (3). 1 of the submissions does not count toward it. Last evaluated 2024-11-18.

Conditions:
MYH8-related disorder. Also called: MYH8-related condition.
Hecht syndrome (DA7). Also called: MOUTH, INABILITY TO OPEN COMPLETELY, AND SHORT FINGER-FLEXOR TENDONS; Dutch-Kentucky syndrome. Identifiers: Orphanet 3377, MedGen C0265226, MONDO:0008016, OMIM 158300. Disease mechanism: gain of function.
Carney complex - trismus - pseudocamptodactyly syndrome. Identifiers: Orphanet 319340, MedGen C1837245, MONDO:0012137, OMIM 608837.

Allele frequency attached by ClinVar (database versions not stated): 1000 Genomes Project 0.00080; 1000 Genomes Project 30x 0.00125; ExAC 0.00286; gnomAD exomes 0.00334 and 0.00579; gnomAD 0.00397 and 0.00409; TOPMed 0.00424; ESP Exome Variant Server 0.00569.
gnomAD v4.1: 9,055 of 1,614,218 alleles (0.56%); highest among the groups gnomAD compares: Non-Finnish European, 0.69%; 45 homozygotes.

Submissions (6):

Blueprint Genetics
Classification: Likely benign. Last evaluated: 2024-11-18. Review status: criteria provided, single submitter. Criteria: ACMG Guidelines, 2015. Collection method: clinical testing. Allele origin: germline.

CeGaT Center for Human Genetics Tuebingen
Classification: Benign. Last evaluated: 2022-08-01. Review status: criteria provided, single submitter. Criteria: CeGaT Center For Human Genetics Tuebingen Variant Classification Criteria Version 2. Collection method: clinical testing. Allele origin: germline. Affected: yes. Observed: 4 variant alleles.
Comment: MYH8: BS1, BS2

Fulgent Genetics
Classification: Likely benign for Hecht syndrome; Carney complex - trismus - pseudocamptodactyly syndrome. Last evaluated: 2021-10-11. Review status: criteria provided, single submitter. Criteria: ACMG Guidelines, 2015. Collection method: clinical testing. Allele origin: unknown.

Labcorp Genetics (formerly Invitae), Labcorp
Classification: Benign. Last evaluated: 2019-12-31. Review status: criteria provided, single submitter. Criteria: Invitae Variant Classification Sherloc (09022015). Collection method: clinical testing. Allele origin: germline.

Illumina Laboratory Services, Illumina
Classification: Likely benign for Hecht syndrome. Last evaluated: 2018-01-13. Review status: criteria provided, single submitter. Criteria: ICSL Variant Classification Criteria 13 December 2019. Collection method: clinical testing. Allele origin: germline.
Comment: This variant was observed in the ICSL laboratory as part of a predisposition screen in an ostensibly healthy population. It had not been previously curated by ICSL or reported in the Human Gene Mutation Database (HGMD: prior to June 1st, 2018), and was therefore a candidate for classification through an automated scoring system. Utilizing variant allele frequency, disease prevalence and penetrance estimates, and inheritance mode, an automated score was calculated to assess if this variant is too frequent to cause the disease. Based on the score and internal cut-off values, a variant classified as likely benign is not then subjected to further curation. The score for this variant resulted in a classification of likely benign for this disease.

PreventionGenetics, part of Exact Sciences
Classification: Benign for MYH8-related condition. Last evaluated: 2019-09-13. Review status: no assertion criteria provided. Collection method: clinical testing. Allele origin: germline. Not counted in ClinVar's aggregate classification.
Comment: This variant is classified as benign based on ACMG/AMP sequence variant interpretation guidelines (Richards et al. 2015 PMID: 25741868, with internal and published modifications).

NM_002472.3(MYH8):c.1632T>C (p.Pro544=)

Genes: MYH8 (myosin heavy chain 8; minus strand), MYHAS (myosin heavy chain gene cluster antisense RNA; plus strand). Cytogenetic location: 17p13.1.
Variant type: single nucleotide variant.
Coding change: c.1632T>C on transcript NM_002472.3 (MANE Select); coding-DNA position 1632, T replaced by C.
Protein change: p.Pro544=; no amino-acid change (proline 544 retained).
Molecular consequence: synonymous variant.
Genome position (GRCh38, 1-based): chr17:10,409,544, A>G on the plus strand (T>C on the coding strand, the complement: MYH8 is on the minus strand). VCF-style: chr17-10409544-A-G. GRCh37 (hg19) VCF-style: chr17-10312861-A-G.
Identifiers: ClinVar variation 775109 (VCV000775109.35), dbSNP rs144596237, ClinGen allele CA8388011.